The following is an entry in ClinVar:

NM_001130438.3(SPTAN1):c.838T>C (p.Ser280Pro)

Gene: SPTAN1 (spectrin alpha, non-erythrocytic 1; plus strand). Cytogenetic location: 9q34.11.
Variant type: single nucleotide variant.
Coding change: c.838T>C on transcript NM_001130438.3 (MANE Select); coding-DNA position 838, T replaced by C.
Protein change: p.Ser280Pro; replaces serine 280 with proline.
Molecular consequence: missense variant.
Genome position (GRCh38, 1-based): chr9:128,577,181, T>C. VCF-style: chr9-128577181-T-C. GRCh37 (hg19) VCF-style: chr9-131339460-T-C.
Other names: c.838T>C, p.Ser280Pro (NM_001195532.2, NM_001363759.2, NM_001363765.2 and 5 more transcripts); c.874T>C, p.Ser292Pro (NM_001375312.2, NM_001375318.1); short protein forms S292P, S280P.
Identifiers: ClinVar variation 3635897 (VCV003635897.2).

ClinVar aggregate classification (germline): Uncertain significance (1 of 4 stars; one submission).

Conditions:
Early-infantile DEE. Also called: Early infantile epileptic encephalopathy; Ohtahara syndrome; Early infantile epileptic encephalopathy with suppression bursts. Identifiers: Orphanet 1934, MedGen C0393706, MONDO:0800491.

Submission:

Labcorp Genetics (formerly Invitae), Labcorp
Classification: Uncertain significance for Early-infantile DEE. Last evaluated: 2024-12-10. Review status: criteria provided, single submitter. Criteria: Invitae Variant Classification Sherloc (09022015). Collection method: clinical testing. Allele origin: germline.
Comment: This sequence change replaces serine, which is neutral and polar, with proline, which is neutral and non-polar, at codon 280 of the SPTAN1 protein (p.Ser280Pro). This variant is not present in population databases (gnomAD no frequency). This variant has not been reported in the literature in individuals affected with SPTAN1-related conditions. Invitae Evidence Modeling of protein sequence and biophysical properties (such as structural, functional, and spatial information, amino acid conservation, physicochemical variation, residue mobility, and thermodynamic stability) has been performed for this missense variant. However, the output from this modeling did not meet the statistical confidence thresholds required to predict the impact of this variant on SPTAN1 protein function. In summary, the available evidence is currently insufficient to determine the role of this variant in disease. Therefore, it has been classified as a Variant of Uncertain Significance.